The following is an entry in ClinVar:

ClinVar aggregate classification (germline): Uncertain significance. Review status: criteria provided, single submitter (1 of 4 stars). 2 submissions from 2 submitters: Uncertain significance (1). 1 of the submissions does not count toward it. Last evaluated 2025-06-07.

Conditions:
SCN7A-related disorder. Also called: SCN7A-related condition.

Allele frequency attached by ClinVar (database versions not stated): gnomAD 0.00009; TOPMed 0.00009; ExAC 0.00022.
gnomAD v4.1: 199 of 1,537,986 alleles (0.013%); highest among the groups gnomAD compares: Middle Eastern, 0.18%; 1 homozygote.

Submissions (2):

Ambry Genetics
Classification: Uncertain significance. Last evaluated: 2025-06-07. Review status: criteria provided, single submitter. Criteria: Ambry Variant Classification Scheme 2023. Collection method: clinical testing. Allele origin: germline.

PreventionGenetics, part of Exact Sciences
Classification: Likely benign for SCN7A-related condition. Last evaluated: 2019-03-26. Review status: no assertion criteria provided. Collection method: clinical testing. Allele origin: germline. Not counted in ClinVar's aggregate classification.
Comment: This variant is classified as likely benign based on ACMG/AMP sequence variant interpretation guidelines (Richards et al. 2015 PMID: 25741868, with internal and published modifications).

NM_002976.4(SCN7A):c.1633A>G (p.Ile545Val)

Gene: SCN7A (sodium voltage-gated channel alpha subunit 7; minus strand). Cytogenetic location: 2q24.3.
Variant type: single nucleotide variant.
Coding change: c.1633A>G on transcript NM_002976.4 (MANE Select); coding-DNA position 1633, A replaced by G.
Protein change: p.Ile545Val; replaces isoleucine 545 with valine.
Molecular consequence: missense variant. On other transcripts: non-coding transcript variant (1).
Genome position (GRCh38, 1-based): chr2:166,443,670, T>C on the plus strand (A>G on the coding strand, the complement: SCN7A is on the minus strand). VCF-style: chr2-166443670-T-C. GRCh37 (hg19) VCF-style: chr2-167300180-T-C.
Other names: short protein forms I545V.
Identifiers: ClinVar variation 2356980 (VCV002356980.5), dbSNP rs769540827, ClinGen allele CA1945615.